The following is an entry in ClinVar:

NM_006087.4(TUBB4A):c.1290C>T (p.Ala430=)

Gene: TUBB4A (tubulin beta 4A class IVa; minus strand). Cytogenetic location: 19p13.3.
Variant type: single nucleotide variant.
Coding change: c.1290C>T on transcript NM_006087.4 (MANE Select); coding-DNA position 1290, C replaced by T.
Protein change: p.Ala430=; no amino-acid change (alanine 430 retained).
Molecular consequence: synonymous variant.
Genome position (GRCh38, 1-based): chr19:6,495,209, G>A on the plus strand (C>T on the coding strand, the complement: TUBB4A is on the minus strand). VCF-style: chr19-6495209-G-A. GRCh37 (hg19) VCF-style: chr19-6495220-G-A.
Other names: c.1443C>T, p.Ala481= (NM_001289123.2); c.1425C>T, p.Ala475= (NM_001289127.2); c.1290C>T, p.Ala430= (NM_001289129.2); c.1074C>T, p.Ala358= (NM_001289130.2, NM_001289131.2).
Identifiers: ClinVar variation 3250838 (VCV003250838.20), dbSNP rs377109175.

ClinVar aggregate classification (germline): Likely benign. Review status: criteria provided, multiple submitters, no conflicts (2 of 4 stars). 2 submissions from 2 submitters: Likely benign (2). Last evaluated 2024-06-03.

Conditions:
Leukodystrophy, hypomyelinating, 6. Also called: LEUKODYSTROPHY, HYPOMYELINATING, WITH ATROPHY OF THE BASAL GANGLIA AND CEREBELLUM; TUBB4A-Associated Leukodystrophy; Hypomyelination with Atrophy of Basal Ganglia and Cerebellum (H-ABC). Identifiers: Orphanet 139441, MedGen C2676244, MONDO:0012905, OMIM 612438.

Allele frequency attached by ClinVar (database versions not stated): ExAC 0.00001; gnomAD 0.00001; TOPMed 0.00001; ESP Exome Variant Server 0.00008.

Submissions (2):

Labcorp Genetics (formerly Invitae), Labcorp
Classification: Likely benign for Leukodystrophy, hypomyelinating, 6. Last evaluated: 2024-06-03. Review status: criteria provided, single submitter. Criteria: Invitae Variant Classification Sherloc (09022015). Collection method: clinical testing. Allele origin: germline.

CeGaT Center for Human Genetics Tuebingen
Classification: Likely benign. Last evaluated: 2024-06-01. Review status: criteria provided, single submitter. Criteria: CeGaT Center For Human Genetics Tuebingen Variant Classification Criteria Version 2. Collection method: clinical testing. Allele origin: germline. Affected: yes. Observed: 1 variant allele.
Comment: TUBB4A: BP4, BP7